The following is an entry in ClinVar:

NM_001099403.2(PRDM8):c.721C>T (p.Pro241Ser)

Gene: PRDM8 (PR/SET domain 8; plus strand). Cytogenetic location: 4q21.21.
Variant type: single nucleotide variant.
Coding change: c.721C>T on transcript NM_001099403.2 (MANE Select); coding-DNA position 721, C replaced by T.
Protein change: p.Pro241Ser; replaces proline 241 with serine.
Molecular consequence: missense variant.
Genome position (GRCh38, 1-based): chr4:80,202,183, C>T. VCF-style: chr4-80202183-C-T. GRCh37 (hg19) VCF-style: chr4-81123337-C-T.
Other names: c.721C>T, p.Pro241Ser (NM_020226.4); short protein forms P241S.
Identifiers: ClinVar variation 542335 (VCV000542335.9), dbSNP rs201806195, ClinGen allele CA2982313.
Genomic context (GRCh38, chr4:80,202,183, plus strand): 5'-TTAGGCCCGGGTCCCAAGTTTTGCAAAGCCGGCCCCCTCCACCACTACCCATCCCCCTCC[C>T]CGGAAAGCAGCAACCCATCCGCTGCCGCCGGCGGCAGCAGCGCGAAGCCATCCACAGACT-3'
Protein context (NP_001092873.1, residues 231-251): GPLHHYPSPS[Pro241Ser]ESSNPSAAAG

ClinVar aggregate classification (germline): Uncertain significance. Review status: criteria provided, multiple submitters, no conflicts (2 of 4 stars). 2 submissions from 2 submitters: Uncertain significance (2). Last evaluated 2024-12-17.

Conditions:
Early-onset Lafora body disease. Also called: Epilepsy, progressive myoclonic, 10. Identifiers: Orphanet 324290, MedGen C4225258, MONDO:0014717, OMIM 616640.

Allele frequency attached by ClinVar (database versions not stated): gnomAD exomes 0.00006 and 0.00016; ExAC 0.00011; 1000 Genomes Project 0.00040; 1000 Genomes Project 30x 0.00047; ESP Exome Variant Server 0.00053; gnomAD 0.00054 and 0.00060; TOPMed 0.00059.

Submissions (2):

Ambry Genetics
Classification: Uncertain significance. Last evaluated: 2024-12-17. Review status: criteria provided, single submitter. Criteria: Ambry Variant Classification Scheme 2023. Collection method: clinical testing. Allele origin: germline.

Labcorp Genetics (formerly Invitae), Labcorp
Classification: Uncertain significance for Early-onset Lafora body disease. Last evaluated: 2022-11-01. Review status: criteria provided, single submitter. Criteria: Invitae Variant Classification Sherloc (09022015). Collection method: clinical testing. Allele origin: germline.
Comment: This sequence change replaces proline, which is neutral and non-polar, with serine, which is neutral and polar, at codon 241 of the PRDM8 protein (p.Pro241Ser). This variant is present in population databases (rs201806195, gnomAD 0.2%). This variant has not been reported in the literature in individuals affected with PRDM8-related conditions. ClinVar contains an entry for this variant (Variation ID: 542335). Algorithms developed to predict the effect of missense changes on protein structure and function are either unavailable or do not agree on the potential impact of this missense change (SIFT: "Deleterious"; PolyPhen-2: "Benign"; Align-GVGD: "Class C0"). In summary, the available evidence is currently insufficient to determine the role of this variant in disease. Therefore, it has been classified as a Variant of Uncertain Significance.